The following is an entry in ClinVar:

ClinVar aggregate classification (germline): Pathogenic/Likely pathogenic. Review status: criteria provided, multiple submitters, no conflicts (2 of 4 stars). 2 submissions from 2 submitters: Pathogenic (1); Likely pathogenic (1). Last evaluated 2023-04-20.

Conditions:
Peroxisome biogenesis disorder, complementation group 7 (CG7). Also called: Peroxisome biogenesis disorder, complementation group B. Identifiers: MedGen C1864399.
Peroxisome biogenesis disorder. Identifiers: Orphanet 79189, MedGen C1832200, MONDO:0019234. Disease mechanism: loss of function.

Submissions (2):

Labcorp Genetics (formerly Invitae), Labcorp
Classification: Pathogenic for Peroxisome biogenesis disorder, complementation group 7. Last evaluated: 2023-04-20. Review status: criteria provided, single submitter. Criteria: Invitae Variant Classification Sherloc (09022015). Collection method: clinical testing. Allele origin: germline.
Comment: This sequence change results in a frameshift in the PEX10 gene (p.His310Profs*49). While this is not anticipated to result in nonsense mediated decay, it is expected to disrupt the last 37 amino acid(s) of the PEX10 protein and extend the protein by 11 additional amino acid residues. For these reasons, this variant has been classified as Pathogenic. This variant disrupts a region of the PEX10 protein in which other variant(s) (p.Arg331Gln) have been determined to be pathogenic (PMID: 20695019, 27230853). This suggests that this is a clinically significant region of the protein, and that variants that disrupt it are likely to be disease-causing. ClinVar contains an entry for this variant (Variation ID: 2429314). This variant has not been reported in the literature in individuals affected with PEX10-related conditions. This variant is not present in population databases (gnomAD no frequency).

Women's Health and Genetics/Laboratory Corporation of America, LabCorp
Classification: Likely pathogenic for Peroxisome biogenesis disorder. Last evaluated: 2023-01-23. Review status: criteria provided, single submitter. Criteria: LabCorp Variant Classification Summary - May 2015. Collection method: clinical testing. Allele origin: germline.
Comment: Variant summary: PEX10 c.928dupC (p.His310ProfsX49) causes a frameshift which results in an extension of the protein. The variant was absent in 250140 control chromosomes. To our knowledge, no occurrence of c.928dupC in individuals affected with Zellweger Syndrome and no experimental evidence demonstrating its impact on protein function have been reported. No clinical diagnostic laboratories have submitted clinical-significance assessments for this variant to ClinVar after 2014. However, multiple other protein-extending variants have been classified as pathogenic by our lab and others in ClinVar (e.g. c.874_875delCT, p.Leu292fsX55+; c.764dupA, p.Leu256AlafsX92+). Based on the evidence outlined above, the variant was classified as likely pathogenic.

Literature cited by the submitters: PubMed 20695019 (cited by Labcorp Genetics (formerly Invitae), Labcorp); PubMed 27230853 (cited by Labcorp Genetics (formerly Invitae), Labcorp).

NM_002617.4(PEX10):c.868dup (p.His290fs)

Gene: PEX10 (peroxisomal biogenesis factor 10; minus strand). Cytogenetic location: 1p36.32.
Variant type: Duplication.
Coding change: c.868dup on transcript NM_002617.4 (MANE Select); coding-DNA position 868, one base duplicated (C; older notation c.868dupC).
Protein change: p.His290fs; shifts the reading frame from histidine 290.
Molecular consequence: frameshift variant. On other transcripts: non-coding transcript variant (1).
Genome position (GRCh38, 1-based): chr1:2,406,528, G duplicated on the plus strand (C on the coding strand, the reverse complement: PEX10 is on the minus strand); the first of 2 consecutive G bases (chr1:2,406,528-2,406,529); duplicating either gives the same sequence. VCF-style (leftmost placement, unchanged base first): chr1-2406527-T-TG. GRCh37 (hg19) VCF-style: chr1-2337966-T-TG.
Other names: c.925dup, p.His309fs (NM_001374425.1); c.493dup, p.His165fs (NM_001374426.1); c.436dup, p.His146fs (NM_001374427.1); c.928dup, p.His310fs (NM_153818.2); short protein forms H146fs, H165fs, H290fs, H309fs, H310fs.
Identifiers: ClinVar variation 2429314 (VCV002429314.5), dbSNP rs2522256588, ClinGen allele CA2574179393.